The following is an entry in ClinVar:

ClinVar aggregate classification (germline): Uncertain significance. Review status: criteria provided, multiple submitters, no conflicts (2 of 4 stars). 2 submissions from 2 submitters: Uncertain significance (2). Last evaluated 2023-12-19.

Conditions:
Cardiofaciocutaneous syndrome 4 (CFC4). Also called: MAP2K2-Related Cardiofaciocutaneous Syndrome. Identifiers: Orphanet 1340, MedGen C3809007, MONDO:0014114, OMIM 615280.
RASopathy. Also called: Noonan spectrum disorder; rasopathies. Identifiers: Orphanet 536391, MedGen C5555857, MONDO:0021060.

Allele frequency attached by ClinVar (database versions not stated): TOPMed 0.00002.

Submissions (2):

ARUP Laboratories, Molecular Genetics and Genomics, ARUP Laboratories
Classification: Uncertain significance for Cardiofaciocutaneous syndrome 4. Last evaluated: 2023-12-19. Review status: criteria provided, single submitter. Criteria: ARUP Molecular Germline Variant Investigation Process 2024. Collection method: clinical testing. Allele origin: germline.
Comment: The MAP2K2 c.871C>G; p.Pro291Ala variant (rs1416387159), to our knowledge, is not reported in the medical literature but is reported in ClinVar (Variation ID: 2179678). This variant is only observed on one allele in the Genome Aggregation Database (v2.1.1), but is considered a low confidence variant in the database. Computational analyses are uncertain whether this variant is neutral or deleterious (REVEL: 0.190). Due to limited information, the clinical significance of this variant is uncertain at this time.

Labcorp Genetics (formerly Invitae), Labcorp
Classification: Uncertain significance for RASopathy. Last evaluated: 2022-10-03. Review status: criteria provided, single submitter. Criteria: Invitae Variant Classification Sherloc (09022015). Collection method: clinical testing. Allele origin: germline.
Comment: In summary, the available evidence is currently insufficient to determine the role of this variant in disease. Therefore, it has been classified as a Variant of Uncertain Significance. Advanced modeling of protein sequence and biophysical properties (such as structural, functional, and spatial information, amino acid conservation, physicochemical variation, residue mobility, and thermodynamic stability) performed at Invitae indicates that this missense variant is not expected to disrupt MAP2K2 protein function. This variant has not been reported in the literature in individuals affected with MAP2K2-related conditions. This variant is present in population databases (no rsID available, gnomAD 0.007%). This sequence change replaces proline, which is neutral and non-polar, with alanine, which is neutral and non-polar, at codon 291 of the MAP2K2 protein (p.Pro291Ala).

NM_030662.4(MAP2K2):c.871C>G (p.Pro291Ala)

Gene: MAP2K2 (mitogen-activated protein kinase kinase 2; minus strand). Cytogenetic location: 19p13.3.
Variant type: single nucleotide variant.
Coding change: c.871C>G on transcript NM_030662.4 (MANE Select); coding-DNA position 871, C replaced by G.
Protein change: p.Pro291Ala; replaces proline 291 with alanine.
Molecular consequence: missense variant.
Genome position (GRCh38, 1-based): chr19:4,099,249, G>C on the plus strand (C>G on the coding strand, the complement: MAP2K2 is on the minus strand). VCF-style: chr19-4099249-G-C. GRCh37 (hg19) VCF-style: chr19-4099247-G-C.
Other names: short protein forms P291A.
Identifiers: ClinVar variation 2179678 (VCV002179678.5), dbSNP rs1416387159, ClinGen allele CA403385332.
Genomic context (GRCh38, chr19:4,099,249, plus strand): 5'-TTCAGGCCGTACCGCTGACGGGGCGCCCGGGGGGCCTCGGCCGAGGCGAGATGCTGTGAG[G>C]CTCTCCTTCTTCCCCGTCGACCACGGGCCGGCCAAAGATGGCCTCCAGCTCTTTGGCGTC-3'
Protein context (NP_109587.1, residues 281-301): RPVVDGEEGE[Pro291Ala]HSISPRPRPP